The following is an entry in ClinVar:

NM_006070.6(TFG):c.499G>A (p.Ala167Thr)

Gene: TFG (trafficking from ER to golgi regulator; plus strand). Cytogenetic location: 3q12.2.
Variant type: single nucleotide variant.
Coding change: c.499G>A on transcript NM_006070.6 (MANE Select); coding-DNA position 499, G replaced by A.
Protein change: p.Ala167Thr; replaces alanine 167 with threonine.
Molecular consequence: missense variant.
Genome position (GRCh38, 1-based): chr3:100,732,591, G>A. VCF-style: chr3-100732591-G-A. GRCh37 (hg19) VCF-style: chr3-100451435-G-A.
Other names: c.499G>A, p.Ala167Thr (NM_001007565.2, NM_001195478.2, NM_001195479.2); short protein forms A167T.
Identifiers: ClinVar variation 1063471 (VCV001063471.9), dbSNP rs1428468084, ClinGen allele CA353845115.

ClinVar aggregate classification (germline): Uncertain significance (1 of 4 stars; one submission).

Conditions:
Hereditary motor and sensory neuropathy, Okinawa type (HMSNO). Also called: HEREDITARY MOTOR AND SENSORY NEUROPATHY, PROXIMAL TYPE. Identifiers: Orphanet 90117, MedGen C1858338, MONDO:0011468, OMIM 604484.
Hereditary spastic paraplegia 57. Also called: Spastic paraplegia 57, autosomal recessive. Identifiers: Orphanet 431329, MedGen C3714897, MONDO:0014295, OMIM 615658.

Allele frequency attached by ClinVar (database versions not stated): TOPMed below 0.00001; gnomAD 0.00001; gnomAD exomes 0.00001 and below 0.00001.
gnomAD v4.1: 11 of 1,612,504 alleles (0.00068%); highest among the groups gnomAD compares: Non-Finnish European, 0.00093%; no homozygotes.

Submission:

Labcorp Genetics (formerly Invitae), Labcorp
Classification: Uncertain significance for Hereditary motor and sensory neuropathy, Okinawa type; Hereditary spastic paraplegia 57. Last evaluated: 2026-02-01. Review status: criteria provided, single submitter. Criteria: Invitae Variant Classification Sherloc (09022015). Collection method: clinical testing. Allele origin: germline.
Comment: This sequence change replaces alanine, which is neutral and non-polar, with threonine, which is neutral and polar, at codon 167 of the TFG protein (p.Ala167Thr). This variant is present in population databases (no rsID available, gnomAD 0.0009%). This variant has not been reported in the literature in individuals affected with TFG-related conditions. ClinVar contains an entry for this variant (Variation ID: 1063471). Invitae Evidence Modeling of protein sequence and biophysical properties (such as structural, functional, and spatial information, amino acid conservation, physicochemical variation, residue mobility, and thermodynamic stability) indicates that this missense variant is not expected to disrupt TFG protein function with a negative predictive value of 80%. In summary, the available evidence is currently insufficient to determine the role of this variant in disease. Therefore, it has been classified as a Variant of Uncertain Significance.